The following is an entry in ClinVar:

ClinVar aggregate classification (germline): Benign. Review status: criteria provided, multiple submitters, no conflicts (2 of 4 stars). 2 submissions from 2 submitters: Benign (2). Last evaluated 2018-01-12.

Conditions:
Cataract 18 (CATC2). Also called: CATARACT 18, AUTOSOMAL RECESSIVE. Identifiers: Orphanet 91492, Orphanet 98991, Orphanet 98992, Orphanet 98995, MedGen C1864908, MONDO:0012395, OMIM 610019.

Allele frequency attached by ClinVar (database versions not stated): gnomAD exomes 0.68315; gnomAD 0.73831; TOPMed 0.77544; 1000 Genomes Project 0.81510; 1000 Genomes Project 30x 0.81699.
gnomAD v4.1: 153,104 of 210,050 alleles (73%); highest among the groups gnomAD compares: East Asian, 100%; 57,800 homozygotes.

Submissions (2):

Illumina Laboratory Services, Illumina
Classification: Benign for Cataract 18. Last evaluated: 2018-01-12. Review status: criteria provided, single submitter. Criteria: ICSL Variant Classification Criteria 13 December 2019. Collection method: clinical testing. Allele origin: germline.
Comment: This variant was observed in the ICSL laboratory as part of a predisposition screen in an ostensibly healthy population. It had not been previously curated by ICSL or reported in the Human Gene Mutation Database (HGMD: prior to June 1st, 2018), and was therefore a candidate for classification through an automated scoring system. Utilizing variant allele frequency, disease prevalence and penetrance estimates, and inheritance mode, an automated score was calculated to assess if this variant is too frequent to cause the disease. Based on the score and internal cut-off values, a variant classified as benign is not then subjected to further curation. The score for this variant resulted in a classification of benign for this disease.

Breakthrough Genomics
Classification: Benign. Review status: criteria provided, single submitter. Criteria: ACMG Guidelines, 2015. Collection method: not provided. Allele origin: germline. Inheritance: Autosomal recessive inheritance. Affected: yes.

NM_024513.4(FYCO1):c.*505A>G

Gene: FYCO1 (FYVE and coiled-coil domain autophagy adaptor 1; minus strand). Cytogenetic location: 3p21.31.
Variant type: single nucleotide variant.
Coding change: c.*505A>G on transcript NM_024513.4 (MANE Select); 505 bases downstream of the stop codon, A replaced by G.
Molecular consequence: 3 prime UTR variant.
Genome position (GRCh38, 1-based): chr3:45,921,260, T>C on the plus strand (A>G on the coding strand, the complement: FYCO1 is on the minus strand). VCF-style: chr3-45921260-T-C. GRCh37 (hg19) VCF-style: chr3-45962752-T-C.
Identifiers: ClinVar variation 345484 (VCV000345484.6), dbSNP rs7652331, ClinGen allele CA10616635.